The following is an entry in ClinVar:

ClinVar aggregate classification (germline): Likely pathogenic. Review status: criteria provided, multiple submitters, no conflicts (2 of 4 stars). 2 submissions from 2 submitters: Likely pathogenic (2). Last evaluated 2024-05-18.

Conditions:
Factor I deficiency (CFID). Also called: Complement factor I deficiency. Identifiers: Orphanet 200418, MedGen C3463916, MONDO:0012594, OMIM 610984.
Atypical hemolytic-uremic syndrome with I factor anomaly. Also called: HEMOLYTIC UREMIC SYNDROME, ATYPICAL, SUSCEPTIBILITY TO, 3; AHUS, SUSCEPTIBILITY TO, 3. Identifiers: Orphanet 2134, MedGen C2752039, MONDO:0013041, OMIM 612923.
Age related macular degeneration 13. Identifiers: MedGen C3809523, MONDO:0014189, OMIM 615439.

Allele frequency attached by ClinVar (database versions not stated): TOPMed 0.00002.

Submissions (2):

Fulgent Genetics
Classification: Likely pathogenic for Factor I deficiency; Atypical hemolytic-uremic syndrome with I factor anomaly; Age related macular degeneration 13. Last evaluated: 2024-05-18. Review status: criteria provided, single submitter. Criteria: ACMG Guidelines, 2015. Collection method: clinical testing. Allele origin: germline.

Mayo Clinic Laboratories, Mayo Clinic
Classification: Likely pathogenic. Last evaluated: 2021-09-28. Review status: criteria provided, single submitter. Criteria: ACMG Guidelines, 2015. Collection method: clinical testing. Allele origin: germline.
Comment: PM2, PVS1

NM_000204.5(CFI):c.57+1G>C

Gene: CFI (complement factor I; minus strand). Cytogenetic location: 4q25.
Variant type: single nucleotide variant.
Coding change: c.57+1G>C on transcript NM_000204.5 (MANE Select); the canonical splice donor site of the intron after coding-DNA position 57, G replaced by C.
Molecular consequence: splice donor variant.
Genome position (GRCh38, 1-based): chr4:109,801,914, C>G on the plus strand (G>C on the coding strand, the complement: CFI is on the minus strand). VCF-style: chr4-109801914-C-G. GRCh37 (hg19) VCF-style: chr4-110723070-C-G.
Other names: c.57+1G>C (NM_001375282.1, NM_001375280.1, NM_001375281.1 and 5 more transcripts); c.-128+1G>C (NM_001375284.1).
Identifiers: ClinVar variation 1343352 (VCV001343352.5), dbSNP rs1425827135, ClinGen allele CA357853127.
Genomic context (GRCh38, chr4:109,801,914, plus strand): 5'-ATGTTTTTACAACCTTTAAATTATCAATTAAAATTGTTTGCATAAAGGTTGAATTACTTA[C>G]CTTGCAAAACCTTAAGTGGAAGCACAGAAATAACAGGAAAACATGAAGAAGCTTCATGTT-3'